The following is an entry in ClinVar:

ClinVar aggregate classification (germline): Uncertain significance (1 of 4 stars; one submission).

Conditions:
Aortic aneurysm, familial thoracic 4 (AAT4). Also called: AORTIC ANEURYSM/AORTIC DISSECTION AND PATENT DUCTUS ARTERIOSUS. Identifiers: MedGen C1851504, MONDO:0007568, OMIM 132900.

Submission:

Labcorp Genetics (formerly Invitae), Labcorp
Classification: Uncertain significance for Aortic aneurysm, familial thoracic 4. Last evaluated: 2024-04-09. Review status: criteria provided, single submitter. Criteria: Invitae Variant Classification Sherloc (09022015). Collection method: clinical testing. Allele origin: germline.
Comment: This sequence change replaces glutamic acid, which is acidic and polar, with alanine, which is neutral and non-polar, at codon 873 of the MYH11 protein (p.Glu873Ala). This variant is not present in population databases (gnomAD no frequency). This variant has not been reported in the literature in individuals affected with MYH11-related conditions. Advanced modeling of protein sequence and biophysical properties (such as structural, functional, and spatial information, amino acid conservation, physicochemical variation, residue mobility, and thermodynamic stability) performed at Invitae indicates that this missense variant is not expected to disrupt MYH11 protein function with a negative predictive value of 95%. In summary, the available evidence is currently insufficient to determine the role of this variant in disease. Therefore, it has been classified as a Variant of Uncertain Significance.

NM_002474.3(MYH11):c.2597A>C (p.Glu866Ala)

Gene: MYH11 (myosin heavy chain 11; minus strand). Cytogenetic location: 16p13.11.
Variant type: single nucleotide variant.
Coding change: c.2597A>C on transcript NM_002474.3 (MANE Select); coding-DNA position 2597, A replaced by C.
Protein change: p.Glu866Ala; replaces glutamic acid 866 with alanine.
Molecular consequence: missense variant.
Genome position (GRCh38, 1-based): chr16:15,741,815, T>G on the plus strand (A>C on the coding strand, the complement: MYH11 is on the minus strand). VCF-style: chr16-15741815-T-G. GRCh37 (hg19) VCF-style: chr16-15835672-T-G.
Other names: c.2618A>C, p.Glu873Ala (NM_001040113.2, NM_001040114.2); c.2597A>C, p.Glu866Ala (NM_022844.3); short protein forms E866A, E873A.
Identifiers: ClinVar variation 3649413 (VCV003649413.2).